The following is an entry in ClinVar:

NM_139027.6(ADAMTS13):c.3460C>A (p.Gln1154Lys)

Gene: ADAMTS13 (ADAM metallopeptidase with thrombospondin type 1 motif 13; plus strand). Cytogenetic location: 9q34.2.
Variant type: single nucleotide variant.
Coding change: c.3460C>A on transcript NM_139027.6 (MANE Select); coding-DNA position 3460, C replaced by A.
Protein change: p.Gln1154Lys; replaces glutamine 1154 with lysine.
Molecular consequence: missense variant. On other transcripts: non-coding transcript variant (1).
Genome position (GRCh38, 1-based): chr9:133,456,128, C>A. VCF-style: chr9-133456128-C-A. GRCh37 (hg19) VCF-style: chr9-136321250-C-A.
Other names: c.3628C>A, p.Gln1210Lys (NM_139025.5); c.3367C>A, p.Gln1123Lys (NM_139026.6); short protein forms Q1123K, Q1154K, Q1210K.
Identifiers: ClinVar variation 4881554 (VCV004881554.2).

ClinVar aggregate classification (germline): Uncertain significance (1 of 4 stars; one submission).

gnomAD v4.1: 3 of 1,613,292 alleles (0.00019%); highest among the groups gnomAD compares: African/African-American, 0.004%; no homozygotes.

Submission:

Dasa
Classification: Uncertain significance. Last evaluated: 2026-02-23. Review status: criteria provided, single submitter. Criteria: DASA Assertion Criteria. Collection method: clinical testing. Allele origin: germline.
Comment: NM_139027.6(ADAMTS13):c.3460C>A (p.Gln1154Lys) is a missense variant that results in the substitution of glutamine with lysine. This variant is rare in population databases. Computational prediction algorithms are consistent with a benign effect. The currently available literature and clinical evidence are not sufficient to establish a definitive association between this variant and the reported condition. Therefore, this variant is classified as a variant of uncertain significance.